The following is an entry in ClinVar:

NM_001163435.3(TBCK):c.338T>G (p.Val113Gly)

Gene: TBCK (TBC1 domain containing kinase; minus strand). Cytogenetic location: 4q24.
Variant type: single nucleotide variant.
Coding change: c.338T>G on transcript NM_001163435.3 (MANE Select); coding-DNA position 338, T replaced by G.
Protein change: p.Val113Gly; replaces valine 113 with glycine.
Molecular consequence: missense variant. On other transcripts: 5 prime UTR variant (1), intron variant (1).
Genome position (GRCh38, 1-based): chr4:106,262,141, A>C on the plus strand (T>G on the coding strand, the complement: TBCK is on the minus strand). VCF-style: chr4-106262141-A-C. GRCh37 (hg19) VCF-style: chr4-107183298-A-C.
Other names: c.338T>G, p.Val113Gly (NM_001163436.4, NM_001163437.3); c.-280T>G (NM_001290768.2); c.267-10134T>G (NM_033115.5); short protein forms V113G.
Identifiers: ClinVar variation 1495502 (VCV001495502.8), dbSNP rs1002054538, ClinGen allele CA103416680.

ClinVar aggregate classification (germline): Uncertain significance (1 of 4 stars; one submission).

Allele frequency attached by ClinVar (database versions not stated): TOPMed below 0.00001; gnomAD exomes 0.00001; gnomAD 0.00002.
gnomAD v4.1: 13 of 1,548,410 alleles (0.00084%); highest among the groups gnomAD compares: Non-Finnish European, 0.00096%; no homozygotes.

Submission:

Labcorp Genetics (formerly Invitae), Labcorp
Classification: Uncertain significance. Last evaluated: 2020-12-20. Review status: criteria provided, single submitter. Criteria: Invitae Variant Classification Sherloc (09022015). Collection method: clinical testing. Allele origin: germline.
Comment: This variant is not present in population databases (ExAC no frequency). This sequence change replaces valine with glycine at codon 113 of the TBCK protein (p.Val113Gly). The valine residue is highly conserved and there is a moderate physicochemical difference between valine and glycine. This variant has not been reported in the literature in individuals with TBCK-related conditions. In summary, the available evidence is currently insufficient to determine the role of this variant in disease. Therefore, it has been classified as a Variant of Uncertain Significance. Algorithms developed to predict the effect of missense changes on protein structure and function are either unavailable or do not agree on the potential impact of this missense change (SIFT: "Deleterious"; PolyPhen-2: "Probably Damaging"; Align-GVGD: "Class C0").